The following is an entry in ClinVar:

ClinVar aggregate classification (germline): Conflicting classifications of pathogenicity. Review status: criteria provided, conflicting classifications (1 of 4 stars). 2 submissions from 2 submitters: Uncertain significance (1); Likely benign (1). Last evaluated 2024-02-26.

Conditions:
DICER1-related tumor predisposition. Also called: DICER1-related pleuropulmonary blastoma cancer predisposition syndrome; DICER1 syndrome. Identifiers: Orphanet 284343, MedGen C3839822, MONDO:0100216.
Hereditary cancer-predisposing syndrome. Also called: Hereditary Cancer Syndrome; Neoplastic Syndromes, Hereditary; Hereditary neoplastic syndrome; Tumor predisposition. Identifiers: Orphanet 140162, MedGen C0027672, MeSH D009386, MONDO:0015356.

Allele frequency attached by ClinVar (database versions not stated): gnomAD 0.00001; gnomAD exomes 0.00001.
gnomAD v4.1: 13 of 1,613,888 alleles (0.00081%); highest among the groups gnomAD compares: Non-Finnish European, 0.0011%; no homozygotes.

Submissions (2):

Labcorp Genetics (formerly Invitae), Labcorp
Classification: Uncertain significance for DICER1-related tumor predisposition. Last evaluated: 2024-02-26. Review status: criteria provided, single submitter. Criteria: Invitae Variant Classification Sherloc (09022015). Collection method: clinical testing. Allele origin: germline.
Comment: This sequence change replaces valine, which is neutral and non-polar, with leucine, which is neutral and non-polar, at codon 97 of the DICER1 protein (p.Val97Leu). This variant is not present in population databases (gnomAD no frequency). This variant has not been reported in the literature in individuals affected with DICER1-related conditions. ClinVar contains an entry for this variant (Variation ID: 821962). Advanced modeling of protein sequence and biophysical properties (such as structural, functional, and spatial information, amino acid conservation, physicochemical variation, residue mobility, and thermodynamic stability) performed at Invitae indicates that this missense variant is not expected to disrupt DICER1 protein function with a negative predictive value of 80%. In summary, the available evidence is currently insufficient to determine the role of this variant in disease. Therefore, it has been classified as a Variant of Uncertain Significance.

Ambry Genetics
Classification: Likely benign for Hereditary cancer-predisposing syndrome. Last evaluated: 2024-01-30. Review status: criteria provided, single submitter. Criteria: Ambry Variant Classification Scheme 2023. Collection method: clinical testing. Allele origin: germline.

Literature cited by the submitters: PubMed 29641532 (cited by Ambry Genetics).

NM_177438.3(DICER1):c.289G>T (p.Val97Leu)

Gene: DICER1 (dicer 1, ribonuclease III; minus strand). Cytogenetic location: 14q32.13.
Variant type: single nucleotide variant.
Coding change: c.289G>T on transcript NM_177438.3 (MANE Select); coding-DNA position 289, G replaced by T.
Protein change: p.Val97Leu; replaces valine 97 with leucine.
Molecular consequence: missense variant.
Genome position (GRCh38, 1-based): chr14:95,132,533, C>A on the plus strand (G>T on the coding strand, the complement: DICER1 is on the minus strand). VCF-style: chr14-95132533-C-A. GRCh37 (hg19) VCF-style: chr14-95598870-C-A.
Other names: c.289G>T, p.Val97Leu (NM_001195573.1, NM_001271282.3, NM_001291628.2 and 1 more transcripts); short protein forms V97L.
Identifiers: ClinVar variation 821962 (VCV000821962.11), dbSNP rs1566815070, ClinGen allele CA390889661.
Genomic context (GRCh38, chr14:95,132,533, plus strand): 5'-CCAATTTCCCCTGCACAACTTGATAAAATAATTTTTTATTACCAGAGTTGACCAAGAACA[C>A]CGTCCTTTTTCCATTTCTGCTGAAGTCTCCCCTGATCTGATAGGACAGCTCTTTAGTGAG-3'
Protein context (NP_803187.1, residues 87-107): GDFSRNGKRT[Val97Leu]FLVNSANQVA